The following is an entry in ClinVar:

NM_001384317.1(ZHX3):c.2858T>G (p.Leu953Arg)

Gene: ZHX3 (zinc fingers and homeoboxes 3; minus strand). Cytogenetic location: 20q12.
Variant type: single nucleotide variant.
Coding change: c.2858T>G on transcript NM_001384317.1 (MANE Select); coding-DNA position 2858, T replaced by G.
Protein change: p.Leu953Arg; replaces leucine 953 with arginine.
Molecular consequence: missense variant. On other transcripts: intron variant (1).
Genome position (GRCh38, 1-based): chr20:41,202,059, A>C on the plus strand (T>G on the coding strand, the complement: ZHX3 is on the minus strand). VCF-style: chr20-41202059-A-C. GRCh37 (hg19) VCF-style: chr20-39830699-A-C.
Other names: c.2858T>G, p.Leu953Arg (NM_001384315.1, NM_001384316.1, NM_001384318.1 and 7 more transcripts); c.2634+224T>G (NM_001384324.1); short protein forms L953R.
Identifiers: ClinVar variation 4774844 (VCV004774844.1).

ClinVar aggregate classification (germline): Uncertain significance (1 of 4 stars; one submission).

gnomAD v4.1: 17 of 1,591,162 alleles (0.0011%); highest among the groups gnomAD compares: Non-Finnish European, 0.0012%; no homozygotes.

Submission:

Labcorp Genetics (formerly Invitae), Labcorp
Classification: Uncertain significance. Last evaluated: 2025-07-22. Review status: criteria provided, single submitter. Criteria: Invitae Variant Classification Sherloc (09022015). Collection method: clinical testing. Allele origin: germline.
Comment: This sequence change replaces leucine, which is neutral and non-polar, with arginine, which is basic and polar, at codon 953 of the ZHX3 protein (p.Leu953Arg). This variant is present in population databases (rs746226134, gnomAD 0.005%). This variant has not been reported in the literature in individuals affected with ZHX3-related conditions. An algorithm developed to predict the effect of missense changes on protein structure and function (PolyPhen-2) suggests that this variant is likely to be disruptive. In summary, the available evidence is currently insufficient to determine the role of this variant in disease. Therefore, it has been classified as a Variant of Uncertain Significance.